The following is an entry in ClinVar:

ClinVar aggregate classification (germline): Pathogenic (1 of 4 stars; one submission).

Conditions:
Nephronophthisis. Also called: Juvenile Nephronophthisis. Identifiers: Orphanet 655, MedGen C0687120, MONDO:0019005, HP:0000090.

Submission:

Labcorp Genetics (formerly Invitae), Labcorp
Classification: Pathogenic for Nephronophthisis. Last evaluated: 2024-12-18. Review status: criteria provided, single submitter. Criteria: Invitae Variant Classification Sherloc (09022015). Collection method: clinical testing. Allele origin: germline.
Comment: This sequence change creates a premature translational stop signal (p.His1267Serfs*30) in the NPHP4 gene. It is expected to result in an absent or disrupted protein product. Loss-of-function variants in NPHP4 are known to be pathogenic (PMID: 12205563, 23559409). This variant is not present in population databases (gnomAD no frequency). This variant has not been reported in the literature in individuals affected with NPHP4-related conditions. For these reasons, this variant has been classified as Pathogenic.

Literature cited by the submitters: PubMed 12205563; PubMed 23559409.

NM_015102.5(NPHP4):c.3798_3799del (p.His1267fs)

Gene: NPHP4 (nephrocystin 4; minus strand). Cytogenetic location: 1p36.31.
Variant type: Microsatellite.
Coding change: c.3798_3799del on transcript NM_015102.5 (MANE Select); coding-DNA positions 3798 to 3799, 2 bases deleted (TC; older notation c.3798_3799delTC).
Protein change: p.His1267fs; shifts the reading frame from histidine 1267.
Molecular consequence: frameshift variant. On other transcripts: non-coding transcript variant (1).
Genome position (GRCh38, 1-based): chr1:5,865,119-5,865,120, GA deleted on the plus strand (TC on the coding strand, the reverse complement: NPHP4 is on the minus strand); deleting any 2 consecutive bases within chr1:5,865,119-5,865,123 gives the same sequence; the c. name uses the placement nearest the transcript's 3' end. VCF-style (leftmost placement, unchanged base first): chr1-5865118-TGA-T. GRCh37 (hg19) VCF-style: chr1-5925178-TGA-T.
Other names: c.2259_2260del, p.His754fs (NM_001291593.2); c.2262_2263del, p.His755fs (NM_001291594.2); short protein forms H1267fs, H754fs, H755fs.
Identifiers: ClinVar variation 1394852 (VCV001394852.6), dbSNP rs2100405990, ClinGen allele CA2580611383.